The following is an entry in ClinVar:

NM_000257.4(MYH7):c.3106G>A (p.Gly1036Arg)

Gene: MYH7 (myosin heavy chain 7; minus strand). Cytogenetic location: 14q11.2.
Variant type: single nucleotide variant.
Coding change: c.3106G>A on transcript NM_000257.4 (MANE Select); coding-DNA position 3106, G replaced by A.
Protein change: p.Gly1036Arg; replaces glycine 1036 with arginine.
Molecular consequence: missense variant.
Genome position (GRCh38, 1-based): chr14:23,422,319, C>T on the plus strand (G>A on the coding strand, the complement: MYH7 is on the minus strand). VCF-style: chr14-23422319-C-T. GRCh37 (hg19) VCF-style: chr14-23891528-C-T.
Other names: c.3106G>A, p.Gly1036Arg (NM_001407004.1); short protein forms G1036R.
Identifiers: ClinVar variation 3636026 (VCV003636026.2).
Genomic context (GRCh38, chr14:23,422,319, plus strand): 5'-CCAGCTTCCGCTTCGCTCGCTCCAGGTCCATGCGCACCTTCTTCTCTTGCTCCAGGGATC[C>T]TTCCAGCTGGTAGAGAGAAGGAGCCAGGCCCAGTGAGGCAAAGCATCCTGACTTGGTGAT-3'
Protein context (NP_000248.2, residues 1026-1046): KLEQQVDDLE[Gly1036Arg]SLEQEKKVRM

ClinVar aggregate classification (germline): Uncertain significance (1 of 4 stars; one submission).

Conditions:
Hypertrophic cardiomyopathy. Also called: HYPERTROPHIC MYOCARDIOPATHY. Identifiers: Orphanet 217569, MedGen C0007194, MeSH D002312, MONDO:0005045, HP:0001639.

Submission:

Labcorp Genetics (formerly Invitae), Labcorp
Classification: Uncertain significance for Hypertrophic cardiomyopathy. Last evaluated: 2024-12-22. Review status: criteria provided, single submitter. Criteria: Invitae Variant Classification Sherloc (09022015). Collection method: clinical testing. Allele origin: germline.
Comment: This sequence change replaces glycine, which is neutral and non-polar, with arginine, which is basic and polar, at codon 1036 of the MYH7 protein (p.Gly1036Arg). This variant is not present in population databases (gnomAD no frequency). This variant has not been reported in the literature in individuals affected with MYH7-related conditions. Invitae Evidence Modeling of protein sequence and biophysical properties (such as structural, functional, and spatial information, amino acid conservation, physicochemical variation, residue mobility, and thermodynamic stability) indicates that this missense variant is expected to disrupt MYH7 protein function with a positive predictive value of 95%. In summary, the available evidence is currently insufficient to determine the role of this variant in disease. Therefore, it has been classified as a Variant of Uncertain Significance.